The following is an entry in ClinVar:

NM_000020.3(ACVRL1):c.183del (p.Arg61fs)

Gene: ACVRL1 (activin A receptor like type 1; plus strand). Cytogenetic location: 12q13.13.
Variant type: Deletion.
Coding change: c.183del on transcript NM_000020.3 (MANE Select); coding-DNA position 183, one base deleted (G; older notation c.183delG).
Protein change: p.Arg61fs; shifts the reading frame from arginine 61.
Molecular consequence: frameshift variant.
Genome position (GRCh38, 1-based): chr12:51,913,220, G deleted; the last of 2 consecutive G bases (chr12:51,913,219-51,913,220); deleting either gives the same sequence. VCF-style (leftmost placement, unchanged base first): chr12-51913218-AG-A. GRCh37 (hg19) VCF-style: chr12-52307002-AG-A.
Other names: c.183delG (NM_000020.2); c.183del, p.Arg61fs (NM_001077401.2); short protein forms R61fs.
Identifiers: ClinVar variation 411312 (VCV000411312.11), dbSNP rs1060503246, ClinGen allele CA16613747.

ClinVar aggregate classification (germline): Pathogenic. Review status: criteria provided, multiple submitters, no conflicts (2 of 4 stars). 3 submissions from 3 submitters: Pathogenic (3). Last evaluated 2025-11-27.

Conditions:
Telangiectasia, hereditary hemorrhagic, type 2 (HHT2). Also called: ACVRL1-Related Hereditary Hemorrhagic Telangiectasia; Telangiectasia, hereditary hemorrhagic, type II. Identifiers: Orphanet 774, MedGen C1838163, MONDO:0010880, OMIM 600376. Disease mechanism: loss of function.
Cardiovascular phenotype. Identifiers: MedGen CN230736.

Submissions (3):

Labcorp Genetics (formerly Invitae), Labcorp
Classification: Pathogenic for Telangiectasia, hereditary hemorrhagic, type 2. Last evaluated: 2025-11-27. Review status: criteria provided, single submitter. Criteria: Invitae Variant Classification Sherloc (09022015). Collection method: clinical testing. Allele origin: germline.
Comment: This sequence change creates a premature translational stop signal (p.Arg61Serfs*61) in the ACVRL1 gene. It is expected to result in an absent or disrupted protein product. Loss-of-function variants in ACVRL1 are known to be pathogenic (PMID: 15879500). This variant is not present in population databases (gnomAD no frequency). This premature translational stop signal has been observed in individual(s) with hereditary hemorrhagic telangiectasia (PMID: 21158752). ClinVar contains an entry for this variant (Variation ID: 411312). For these reasons, this variant has been classified as Pathogenic.

ARUP Laboratories, Molecular Genetics and Genomics, ARUP Laboratories
Classification: Pathogenic for Telangiectasia, hereditary hemorrhagic, type 2. Last evaluated: 2025-03-21. Review status: criteria provided, single submitter. Criteria: ARUP Molecular Germline Variant Investigation Process 2024. Collection method: clinical testing. Allele origin: germline.
Comment: The ACVRL1 c.183del; p.Arg61SerfsTer61 variant (rs1060503246, ClinVar Variation ID: 411312) is reported in the literature in an individual affected with hereditary hemorrhagic telangiectasia (McDonald 2011). This variant is absent from the Genome Aggregation Database (v2.1.1), indicating it is not a common polymorphism. This variant causes a frameshift by deleting a single nucleotide, so it is predicted to result in a truncated protein or mRNA subject to nonsense-mediated decay. Based on available information, this variant is considered to be pathogenic. References: McDonald J et al. Molecular diagnosis in hereditary hemorrhagic telangiectasia: findings in a series tested simultaneously by sequencing and deletion/duplication analysis. Clin Genet. 2011 Apr;79(4):335-44. PMID: 21158752.

Ambry Genetics
Classification: Pathogenic for Cardiovascular phenotype. Last evaluated: 2021-08-16. Review status: criteria provided, single submitter. Criteria: Ambry Variant Classification Scheme 2023. Collection method: clinical testing. Allele origin: germline.
Comment: The c.183delG pathogenic mutation, located in coding exon 2 of the ACVRL1 gene, results from a deletion of one nucleotide at nucleotide position 183, causing a translational frameshift with a predicted alternate stop codon (p.R61Sfs*61). This mutation was reported in an individual with epistaxis, telangiectasia, and pulmonary arteriovenous malformations (McDonald J et al. Clin. Genet., 2011 Apr;79:335-44). This variant is considered to be rare based on population cohorts in the Genome Aggregation Database (gnomAD). In addition to the clinical data presented in the literature, this alteration is expected to result in loss of function by premature protein truncation or nonsense-mediated mRNA decay. As such, this alteration is interpreted as a disease-causing mutation.

Literature cited by the submitters: PubMed 15879500 (cited by Labcorp Genetics (formerly Invitae), Labcorp); PubMed 21158752 (cited by Labcorp Genetics (formerly Invitae), Labcorp and Ambry Genetics).